The following is an entry in ClinVar:

ClinVar aggregate classification (germline): Uncertain significance. Review status: criteria provided, multiple submitters, no conflicts (2 of 4 stars). 2 submissions from 2 submitters: Uncertain significance (2). Last evaluated 2024-10-03.

Allele frequency attached by ClinVar (database versions not stated): TOPMed below 0.00001; gnomAD 0.00001; gnomAD exomes 0.00001.
gnomAD v4.1: 15 of 1,614,012 alleles (0.00093%); highest among the groups gnomAD compares: Admixed American, 0.0017%; no homozygotes.

Submissions (2):

Ambry Genetics
Classification: Uncertain significance. Last evaluated: 2024-10-03. Review status: criteria provided, single submitter. Criteria: Ambry Variant Classification Scheme 2023. Collection method: clinical testing. Allele origin: germline.

Labcorp Genetics (formerly Invitae), Labcorp
Classification: Uncertain significance. Last evaluated: 2023-01-10. Review status: criteria provided, single submitter. Criteria: Invitae Variant Classification Sherloc (09022015). Collection method: clinical testing. Allele origin: germline.
Comment: Algorithms developed to predict the effect of missense changes on protein structure and function output the following: SIFT: "Tolerated"; PolyPhen-2: "Benign"; Align-GVGD: "Class C0". The valine amino acid residue is found in multiple mammalian species, which suggests that this missense change does not adversely affect protein function. This variant has not been reported in the literature in individuals affected with OR2W3-related conditions. This sequence change replaces isoleucine, which is neutral and non-polar, with valine, which is neutral and non-polar, at codon 256 of the OR2W3 protein (p.Ile256Val). This variant is not present in population databases (gnomAD no frequency). In summary, the available evidence is currently insufficient to determine the role of this variant in disease. Therefore, it has been classified as a Variant of Uncertain Significance.

NM_001001957.2(OR2W3):c.766A>G (p.Ile256Val)

Gene: OR2W3 (olfactory receptor family 2 subfamily W member 3; plus strand). Cytogenetic location: 1q44.
Variant type: single nucleotide variant.
Coding change: c.766A>G on transcript NM_001001957.2 (MANE Select); coding-DNA position 766, A replaced by G.
Protein change: p.Ile256Val; replaces isoleucine 256 with valine.
Molecular consequence: missense variant.
Genome position (GRCh38, 1-based): chr1:247,896,352, A>G. VCF-style: chr1-247896352-A-G. GRCh37 (hg19) VCF-style: chr1-248059654-A-G.
Other names: short protein forms I256V.
Identifiers: ClinVar variation 3013026 (VCV003013026.4), dbSNP rs1355965114, ClinGen allele CA345595934.